The following is an entry in ClinVar:

NM_000123.4(ERCC5):c.669A>C (p.Pro223=)

Genes: BIVM-ERCC5 (BIVM-ERCC5 readthrough; plus strand), ERCC5 (ERCC excision repair 5, endonuclease; plus strand). Cytogenetic location: 13q33.1.
Variant type: single nucleotide variant.
Coding change: c.669A>C on transcript NM_000123.4 (MANE Select); coding-DNA position 669, A replaced by C.
Protein change: p.Pro223=; no amino-acid change (proline 223 retained).
Molecular consequence: synonymous variant.
Genome position (GRCh38, 1-based): chr13:102,858,415, A>C. VCF-style: chr13-102858415-A-C. GRCh37 (hg19) VCF-style: chr13-103510765-A-C.
Other names: c.2031A>C, p.Pro677= (NM_001204425.2).
Identifiers: ClinVar variation 310915 (VCV000310915.7), dbSNP rs541094745, ClinGen allele CA7041230.

ClinVar aggregate classification (germline): Uncertain significance. Review status: criteria provided, single submitter (1 of 4 stars). 2 submissions from 2 submitters: Uncertain significance (1). 1 of the submissions does not count toward it. Last evaluated 2018-01-13.

Conditions:
ERCC5-related disorder. Also called: ERCC5-related condition.
Xeroderma pigmentosum, group G (XPG). Also called: XERODERMA PIGMENTOSUM VII; XP, GROUP G; Xeroderma pigmentosum type 7; ERCC5-Related Xeroderma Pigmentosum. Identifiers: MedGen C0268141, MONDO:0010216, OMIM 278780.

Allele frequency attached by ClinVar (database versions not stated): gnomAD below 0.00001 and 0.00002; TOPMed 0.00001; gnomAD exomes 0.00003 and 0.00004; ExAC 0.00005; 1000 Genomes Project 0.00020; 1000 Genomes Project 30x 0.00031.
gnomAD v4.1: 41 of 1,614,174 alleles (0.0025%); highest among the groups gnomAD compares: South Asian, 0.04%; no homozygotes.

Submissions (2):

Illumina Laboratory Services, Illumina
Classification: Uncertain significance for Xeroderma pigmentosum, group G. Last evaluated: 2018-01-13. Review status: criteria provided, single submitter. Criteria: ICSL Variant Classification Criteria 13 December 2019. Collection method: clinical testing. Allele origin: germline.

PreventionGenetics, part of Exact Sciences
Classification: Likely benign for ERCC5-related condition. Last evaluated: 2019-07-17. Review status: no assertion criteria provided. Collection method: clinical testing. Allele origin: germline. Not counted in ClinVar's aggregate classification.
Comment: This variant is classified as likely benign based on ACMG/AMP sequence variant interpretation guidelines (Richards et al. 2015 PMID: 25741868, with internal and published modifications).